The following is an entry in ClinVar:

ClinVar aggregate classification (germline): Uncertain significance (1 of 4 stars; one submission).

Conditions:
Neuropathy, hereditary sensory and autonomic, type 2A (HSAN2A). Also called: ACROOSTEOLYSIS, GIACCAI TYPE; ACROOSTEOLYSIS, NEUROGENIC; MORVAN DISEASE; NEUROPATHY, CONGENITAL SENSORY; NEUROPATHY, HEREDITARY SENSORY RADICULAR, AUTOSOMAL RECESSIVE; NEUROPATHY, HEREDITARY SENSORY, TYPE IIA. Identifiers: Orphanet 970, MedGen C2752089, MONDO:0024309, OMIM 201300.
Pseudohypoaldosteronism type 2C (PHA2C). Also called: Pseudohypoaldosteronism Type IIC. Identifiers: Orphanet 757, Orphanet 88940, MedGen C1840391, MONDO:0013778, OMIM 614492.

Submission:

Labcorp Genetics (formerly Invitae), Labcorp
Classification: Uncertain significance for Neuropathy, hereditary sensory and autonomic, type 2A; Pseudohypoaldosteronism type 2C. Last evaluated: 2023-09-21. Review status: criteria provided, single submitter. Criteria: Invitae Variant Classification Sherloc (09022015). Collection method: clinical testing. Allele origin: germline.
Comment: In summary, the available evidence is currently insufficient to determine the role of this variant in disease. Therefore, it has been classified as a Variant of Uncertain Significance. ClinVar contains an entry for this variant (Variation ID: 1479491). This variant has not been reported in the literature in individuals affected with WNK1-related conditions. This variant is not present in population databases (gnomAD no frequency). This sequence change creates a premature translational stop signal (p.Cys733Metfs*38) in the WNK1 gene. However, it is currently unclear if variants that occur in this region of the gene cause disease.

NM_213655.5(WNK1):c.2196_2197insA (p.Cys733fs)

Gene: WNK1 (WNK lysine deficient protein kinase 1; plus strand). Cytogenetic location: 12p13.33.
Variant type: Insertion.
Coding change: c.2196_2197insA on transcript NM_213655.5 (MANE Plus Clinical); coding-DNA positions 2196 to 2197, A inserted.
Protein change: p.Cys733fs; shifts the reading frame from cysteine 733.
Molecular consequence: frameshift variant. On other transcripts: intron variant (3).
Genome position: GRCh38 VCF-style: chr12-865166-G-GA. GRCh37 (hg19) VCF-style: chr12-974332-G-GA.
Other names: c.2140-2700_2140-2699insA (NM_001184985.2); c.2139+2896_2139+2897insA (NM_018979.4, NM_014823.3); short protein forms C733fs.
Identifiers: ClinVar variation 1479491 (VCV001479491.8), dbSNP rs2154069072, ClinGen allele CA2573148499.